The following is an entry in ClinVar:

ClinVar aggregate classification (germline): Uncertain significance (1 of 4 stars; one submission).

Conditions:
Autosomal dominant limb-girdle muscular dystrophy type 1F (LGMDD2). Also called: Limb-girdle muscular dystrophy, type 1F; MUSCULAR DYSTROPHY, LIMB-GIRDLE, AUTOSOMAL DOMINANT 2. Identifiers: Orphanet 55595, MedGen C1842062, MONDO:0012034, OMIM 608423.

gnomAD v4.1: 24 of 1,610,152 alleles (0.0015%); highest among the groups gnomAD compares: Non-Finnish European, 0.002%; no homozygotes.

Submission:

Labcorp Genetics (formerly Invitae), Labcorp
Classification: Uncertain significance for Autosomal dominant limb-girdle muscular dystrophy type 1F. Last evaluated: 2024-10-13. Review status: criteria provided, single submitter. Criteria: Invitae Variant Classification Sherloc (09022015). Collection method: clinical testing. Allele origin: germline.
Comment: This sequence change replaces leucine, which is neutral and non-polar, with phenylalanine, which is neutral and non-polar, at codon 140 of the TNPO3 protein (p.Leu140Phe). This variant is present in population databases (rs762247164, gnomAD 0.002%). This variant has not been reported in the literature in individuals affected with TNPO3-related conditions. Invitae Evidence Modeling of protein sequence and biophysical properties (such as structural, functional, and spatial information, amino acid conservation, physicochemical variation, residue mobility, and thermodynamic stability) indicates that this missense variant is not expected to disrupt TNPO3 protein function with a negative predictive value of 80%. In summary, the available evidence is currently insufficient to determine the role of this variant in disease. Therefore, it has been classified as a Variant of Uncertain Significance.

NM_012470.4(TNPO3):c.420G>C (p.Leu140Phe)

Gene: TNPO3 (transportin 3; minus strand). Cytogenetic location: 7q32.1.
Variant type: single nucleotide variant.
Coding change: c.420G>C on transcript NM_012470.4 (MANE Select); coding-DNA position 420, G replaced by C.
Protein change: p.Leu140Phe; replaces leucine 140 with phenylalanine.
Molecular consequence: missense variant. On other transcripts: non-coding transcript variant (18).
Genome position (GRCh38, 1-based): chr7:129,015,111, C>G on the plus strand (G>C on the coding strand, the complement: TNPO3 is on the minus strand). VCF-style: chr7-129015111-C-G. GRCh37 (hg19) VCF-style: chr7-128655165-C-G.
Other names: c.420G>C, p.Leu140Phe (NM_001191028.3, NM_001382216.1, NM_001382218.1 and 5 more transcripts); c.501G>C, p.Leu167Phe (NM_001382217.1); short protein forms L140F, L167F.
Identifiers: ClinVar variation 3667237 (VCV003667237.2).